The following is an entry in ClinVar:

NM_012431.3(SEMA3E):c.566C>G (p.Ala189Gly)

Gene: SEMA3E (semaphorin 3E; minus strand). Cytogenetic location: 7q21.11.
Variant type: single nucleotide variant.
Coding change: c.566C>G on transcript NM_012431.3 (MANE Select); coding-DNA position 566, C replaced by G.
Protein change: p.Ala189Gly; replaces alanine 189 with glycine.
Molecular consequence: missense variant.
Genome position (GRCh38, 1-based): chr7:83,408,472, G>C on the plus strand (C>G on the coding strand, the complement: SEMA3E is on the minus strand). VCF-style: chr7-83408472-G-C. GRCh37 (hg19) VCF-style: chr7-83037788-G-C.
Other names: c.386C>G, p.Ala129Gly (NM_001178129.2); short protein forms A129G, A189G.
Identifiers: ClinVar variation 3666991 (VCV003666991.2).

ClinVar aggregate classification (germline): Uncertain significance (1 of 4 stars; one submission).

Conditions:
CHARGE syndrome (CHARGE). Also called: Hittner Hirsch Kreh syndrome; CHARGE ASSOCIATION--COLOBOMA, HEART ANOMALY, CHOANAL ATRESIA, RETARDATION, GENITAL AND EAR ANOMALIES; Coloboma, heart anomaly, choanal atresia, retardation, genital and ear anomalies; CHARGE association; Hall-Hittner syndrome. Identifiers: Orphanet 138, MedGen C0265354, MONDO:0008965.

gnomAD v4.1: 9 of 1,613,680 alleles (0.00056%); highest among the groups gnomAD compares: Non-Finnish European, 0.00076%; no homozygotes.

Submission:

Labcorp Genetics (formerly Invitae), Labcorp
Classification: Uncertain significance for CHARGE syndrome. Last evaluated: 2024-10-23. Review status: criteria provided, single submitter. Criteria: Invitae Variant Classification Sherloc (09022015). Collection method: clinical testing. Allele origin: germline.
Comment: This sequence change replaces alanine, which is neutral and non-polar, with glycine, which is neutral and non-polar, at codon 189 of the SEMA3E protein (p.Ala189Gly). This variant is not present in population databases (gnomAD no frequency). This variant has not been reported in the literature in individuals affected with SEMA3E-related conditions. Invitae Evidence Modeling of protein sequence and biophysical properties (such as structural, functional, and spatial information, amino acid conservation, physicochemical variation, residue mobility, and thermodynamic stability) indicates that this missense variant is not expected to disrupt SEMA3E protein function with a negative predictive value of 80%. In summary, the available evidence is currently insufficient to determine the role of this variant in disease. Therefore, it has been classified as a Variant of Uncertain Significance.